The following is an entry in ClinVar:

NM_002283.4(KRT85):c.345C>A (p.Asn115Lys)

Gene: KRT85 (keratin 85; minus strand). Cytogenetic location: 12q13.13.
Variant type: single nucleotide variant.
Coding change: c.345C>A on transcript NM_002283.4 (MANE Select); coding-DNA position 345, C replaced by A.
Protein change: p.Asn115Lys; replaces asparagine 115 with lysine.
Molecular consequence: missense variant.
Genome position (GRCh38, 1-based): chr12:52,367,061, G>T on the plus strand (C>A on the coding strand, the complement: KRT85 is on the minus strand). VCF-style: chr12-52367061-G-T. GRCh37 (hg19) VCF-style: chr12-52760845-G-T.
Other names: short protein forms N115K.
Identifiers: ClinVar variation 2225125 (VCV002225125.4), dbSNP rs141320723, ClinGen allele CA6578338.

ClinVar aggregate classification (germline): Uncertain significance. Review status: criteria provided, multiple submitters, no conflicts (2 of 4 stars). 2 submissions from 2 submitters: Uncertain significance (2). Last evaluated 2024-04-25.

Allele frequency attached by ClinVar (database versions not stated): TOPMed below 0.00001; gnomAD 0.00001; ExAC 0.00002; ESP Exome Variant Server 0.00008.
gnomAD v4.1: 68 of 1,613,572 alleles (0.0042%); highest among the groups gnomAD compares: Non-Finnish European, 0.0052%; no homozygotes.

Submissions (2):

Labcorp Genetics (formerly Invitae), Labcorp
Classification: Uncertain significance. Last evaluated: 2024-04-25. Review status: criteria provided, single submitter. Criteria: Invitae Variant Classification Sherloc (09022015). Collection method: clinical testing. Allele origin: germline.
Comment: This sequence change replaces asparagine, which is neutral and polar, with lysine, which is basic and polar, at codon 115 of the KRT85 protein (p.Asn115Lys). This variant is present in population databases (rs141320723, gnomAD 0.006%). This variant has not been reported in the literature in individuals affected with KRT85-related conditions. ClinVar contains an entry for this variant (Variation ID: 2225125). Advanced modeling of protein sequence and biophysical properties (such as structural, functional, and spatial information, amino acid conservation, physicochemical variation, residue mobility, and thermodynamic stability) performed at Invitae indicates that this missense variant is not expected to disrupt KRT85 protein function with a negative predictive value of 80%. In summary, the available evidence is currently insufficient to determine the role of this variant in disease. Therefore, it has been classified as a Variant of Uncertain Significance.

Ambry Genetics
Classification: Uncertain significance. Last evaluated: 2022-05-26. Review status: criteria provided, single submitter. Criteria: Ambry Variant Classification Scheme 2023. Collection method: clinical testing. Allele origin: germline.